The following continues an entry in ClinVar:

NM_000059.4(BRCA2):c.3847_3848del (p.Val1283fs)

Gene: BRCA2. ClinVar aggregate classification (germline): Pathogenic. Pathogenic (1).

Submissions 55 to 65 of 65:

Human Genome Sequencing Center Clinical Lab, Baylor College of Medicine
Classification: Pathogenic for Rhabdomyosarcoma. Last evaluated: 2020-09-01. Review status: no assertion criteria provided. Collection method: provider interpretation. Allele origin: germline. Affected: yes. Not counted in ClinVar's aggregate classification.

CZECANCA consortium
Classification: Pathogenic for Breast and/or ovarian cancer. Last evaluated: 2019-06-11. Review status: no assertion criteria provided. Collection method: clinical testing. Allele origin: germline. Affected: yes. Observed: 6 variant alleles. Not counted in ClinVar's aggregate classification.

German Consortium for Hereditary Breast and Ovarian Cancer, University Hospital Cologne
Classification: Pathogenic for Ovarian neoplasm. Last evaluated: 2018-12-01. Review status: no assertion criteria provided. Collection method: research. Allele origin: germline. Affected: yes. Not counted in ClinVar's aggregate classification.

Institute of Human Genetics, Medical University Innsbruck
Classification: Pathogenic for Breast-ovarian cancer, familial 2. Last evaluated: 2015-02-11. Review status: no assertion criteria provided. Criteria: clinical testing. Collection method: clinical testing. Allele origin: germline. Affected: yes. Study: BRCA-Tyrol. Not counted in ClinVar's aggregate classification.
Comment: BRCA-mutation spectrum Western Austria

Counsyl
Classification: Pathogenic for Breast-ovarian cancer, familial 2. Last evaluated: 2014-08-25. Review status: no assertion criteria provided. Collection method: literature only. Allele origin: unknown. Inheritance: Autosomal dominant inheritance. Not counted in ClinVar's aggregate classification.

Research Molecular Genetics Laboratory, Women's College Hospital, University of Toronto
Classification: Pathogenic for Hereditary breast ovarian cancer syndrome. Last evaluated: 2014-01-31. Review status: no assertion criteria provided. Collection method: research. Allele origin: germline. Affected: yes. Study: The Canadian Open Genetics Repository (COGR). Not counted in ClinVar's aggregate classification.

Sharing Clinical Reports Project (SCRP)
Classification: Pathogenic for Breast-ovarian cancer, familial 2. Last evaluated: 2013-05-31. Review status: no assertion criteria provided. Collection method: clinical testing. Allele origin: germline. Not counted in ClinVar's aggregate classification.

Breast Cancer Information Core (BIC) (BRCA2)
Classification: Pathogenic for Breast-ovarian cancer, familial 2. Last evaluated: 2002-05-29. Review status: no assertion criteria provided. Collection method: clinical testing. Allele origin: germline, unknown. Affected: yes. Observed: 64 variant alleles. Not counted in ClinVar's aggregate classification.

Clinical Genetics Laboratory, Department of Pathology, Netherlands Cancer Institute
Classification: Pathogenic. Review status: no assertion criteria provided. Collection method: clinical testing. Allele origin: germline. Affected: yes. Study: VKGL Data-share Consensus. Not counted in ClinVar's aggregate classification.

Department of Pathology and Laboratory Medicine, Sinai Health System
Classification: Pathogenic for Malignant tumor of breast. Review status: no assertion criteria provided. Collection method: clinical testing. Allele origin: unknown. Affected: yes. Observed: 12 variant alleles. Study: The Canadian Open Genetics Repository (COGR). Not counted in ClinVar's aggregate classification.
Comment: The BRCA2 p.Val1283Lysfs*2 variant was identified in 15 of 4576 proband chromosomes (frequency: 0.003) from individuals or families with breast, ovarian, or pancreatic cancer (Claes 1999, Claus 2005, Hahn 2003, Lubinski 2004, Risch 2001, Singer 2014, Soegaard 2008, Sugano 2008). The variant was also identified in several databases, including: dbSNP (ID: rs80359405) â€šÃ„ÃºWith pathogenic alleleâ€šÃ„Ã¹, COGR (classified as pathogenic by a clinical laboratory), COSMIC, BIC (64x, classified as pathogenic), ARUP Laboratories BRCA Mutations Database, and ClinVar (classified as pathogenic by Ambry Genetics, Counsyl, GeneDx, Division of Human Genetics Innsbruck â€šÃ„Ã¬ Medical University Innsbruck, Sharing Clinical Reports Project, Invitae, and BIC). The variant was identified in control databases in 1 of 199586 chromosomes at a frequency of 0.000005 (Genome Aggregation Database Feb 27, 2017). The variant was observed in the East Asian population in 1 of 14726 chromosomes (freq: 0.00007); it was not observed in the South Asian, African, Other, Latino, Ashkenazi Jewish, or Finnish populations. The BRCA2, c.3847_3848delGT variant is predicted to cause a frameshift, which alters the protein's amino acid sequence beginning at codon 1283 and leads to a premature stop codon at position 1284. This alteration is then predicted to result in a truncated or absent protein and loss of function. Loss of function variants of the BRCA2 gene are an established mechanism of disease in hereditary breast and ovarian cancer and is the type of variant expected to cause the disorder. In summary, based on the above information, this variant meets our laboratoryâ€šÃ„Ã´s criteria to be classified as pathogenic.

Diagnostic Laboratory, Department of Genetics, University Medical Center Groningen
Classification: Pathogenic for Breast-ovarian cancer, familial, susceptibility to, 2. Review status: no assertion criteria provided. Collection method: clinical testing. Allele origin: germline. Affected: yes. Study: VKGL Data-share Consensus. Not counted in ClinVar's aggregate classification.

Literature cited by the submitters: PubMed 20104584 (cited by 4 submitters); PubMed 8589730 (cited by 9 submitters); PubMed 21324516 (cited by 7 submitters); PubMed 21952622 (cited by 6 submitters); PubMed 23199084 (cited by 6 submitters); PubMed 24814045 (cited by 5 submitters); PubMed 31263571 (cited by Center for Genomic Medicine, Rigshospitalet, Copenhagen University Hospital and Quest Diagnostics Nichols Institute San Juan Capistrano); PubMed 32341426 (cited by Center for Genomic Medicine, Rigshospitalet, Copenhagen University Hospital and Quest Diagnostics Nichols Institute San Juan Capistrano); PubMed 22144684 (cited by Variantyx, Inc.); PubMed 29321669 (cited by Variantyx, Inc. and Quest Diagnostics Nichols Institute San Juan Capistrano); PubMed 29339979 (cited by 4 submitters); PubMed 28324225 (cited by 4 submitters); PubMed 29752822 (cited by 4 submitters); PubMed 34657373 (cited by GeneKor MSA and Quest Diagnostics Nichols Institute San Juan Capistrano); PubMed 10790213 (cited by Color Diagnostics, LLC DBA Color Health and Women's Health and Genetics/Laboratory Corporation of America, LabCorp); PubMed 17574839 (cited by Color Diagnostics, LLC DBA Color Health); PubMed 18465347 (cited by Color Diagnostics, LLC DBA Color Health and Women's Health and Genetics/Laboratory Corporation of America, LabCorp); PubMed 18489799 (cited by Color Diagnostics, LLC DBA Color Health and Quest Diagnostics Nichols Institute San Juan Capistrano); PubMed 19016756 (cited by 3 submitters); PubMed 19620486 (cited by Color Diagnostics, LLC DBA Color Health and Quest Diagnostics Nichols Institute San Juan Capistrano); PubMed 22752604 (cited by 3 submitters); PubMed 23479189 (cited by Color Diagnostics, LLC DBA Color Health and Counsyl); PubMed 24156927 (cited by 3 submitters); PubMed 24528374 (cited by Color Diagnostics, LLC DBA Color Health and Counsyl); PubMed 24728189 (cited by Color Diagnostics, LLC DBA Color Health); PubMed 33471991 (cited by Color Diagnostics, LLC DBA Color Health); PubMed 29446198 (cited by 3 submitters); PubMed 31209999 (cited by Institute for Genomic Medicine (IGM) Clinical Laboratory, Nationwide Children's Hospital); PubMed 29492181 (cited by Institute for Genomic Medicine (IGM) Clinical Laboratory, Nationwide Children's Hospital); PubMed 29907814 (cited by Institute for Genomic Medicine (IGM) Clinical Laboratory, Nationwide Children's Hospital and Quest Diagnostics Nichols Institute San Juan Capistrano); PubMed 32164353 (cited by 3 submitters); PubMed 8988179 (cited by All of Us Research Program, National Institutes of Health); PubMed 11897832 (cited by All of Us Research Program, National Institutes of Health); PubMed 29325860 (cited by All of Us Research Program, National Institutes of Health); PubMed 32778078 (cited by All of Us Research Program, National Institutes of Health and Ambry Genetics); PubMed 32824581 (cited by All of Us Research Program, National Institutes of Health); PubMed 32923906 (cited by All of Us Research Program, National Institutes of Health); PubMed 33670479 (cited by All of Us Research Program, National Institutes of Health); PubMed 33801055 (cited by All of Us Research Program, National Institutes of Health); PubMed 34022715 (cited by All of Us Research Program, National Institutes of Health); PubMed 12569143 (cited by Mayo Clinic Laboratories, Mayo Clinic and Ambry Genetics); PubMed 26360800 (cited by 3 submitters); PubMed 26681312 (cited by 3 submitters); PubMed 30040829 (cited by Mayo Clinic Laboratories, Mayo Clinic); PubMed 30274973 (cited by Mayo Clinic Laboratories, Mayo Clinic and Quest Diagnostics Nichols Institute San Juan Capistrano); PubMed 32782288 (cited by Mayo Clinic Laboratories, Mayo Clinic); PubMed 36721989 (cited by Mayo Clinic Laboratories, Mayo Clinic); PubMed 34687993 (cited by Ambry Genetics); PubMed 21643751 (cited by Laboratory for Molecular Medicine, Mass General Brigham Personalized Medicine and Illumina Laboratory Services, Illumina); PubMed 35171259 (cited by Illumina Laboratory Services, Illumina); PubMed 36367610 (cited by Illumina Laboratory Services, Illumina); PubMed 33804961 (cited by Illumina Laboratory Services, Illumina); PubMed 22006311 (cited by Quest Diagnostics Nichols Institute San Juan Capistrano and Sema4); PubMed 24504028 (cited by Quest Diagnostics Nichols Institute San Juan Capistrano); PubMed 26689913 (cited by Quest Diagnostics Nichols Institute San Juan Capistrano); PubMed 27153395 (cited by Quest Diagnostics Nichols Institute San Juan Capistrano); PubMed 28176296 (cited by Quest Diagnostics Nichols Institute San Juan Capistrano); PubMed 28724667 (cited by Quest Diagnostics Nichols Institute San Juan Capistrano); PubMed 28831036 (cited by Quest Diagnostics Nichols Institute San Juan Capistrano); PubMed 28993434 (cited by Quest Diagnostics Nichols Institute San Juan Capistrano); PubMed 29084914 (cited by Quest Diagnostics Nichols Institute San Juan Capistrano); PubMed 29489754 (cited by Quest Diagnostics Nichols Institute San Juan Capistrano); PubMed 29506128 (cited by Quest Diagnostics Nichols Institute San Juan Capistrano); PubMed 29625052 (cited by Quest Diagnostics Nichols Institute San Juan Capistrano); PubMed 30309722 (cited by Quest Diagnostics Nichols Institute San Juan Capistrano); PubMed 30322717 (cited by Quest Diagnostics Nichols Institute San Juan Capistrano); PubMed 30548481 (cited by Quest Diagnostics Nichols Institute San Juan Capistrano); PubMed 30612635 (cited by Quest Diagnostics Nichols Institute San Juan Capistrano); PubMed 30720243 (cited by Quest Diagnostics Nichols Institute San Juan Capistrano); PubMed 30720863 (cited by Quest Diagnostics Nichols Institute San Juan Capistrano); PubMed 30787465 (cited by Quest Diagnostics Nichols Institute San Juan Capistrano); PubMed 31360904 (cited by Quest Diagnostics Nichols Institute San Juan Capistrano); PubMed 31447099 (cited by Quest Diagnostics Nichols Institute San Juan Capistrano); PubMed 31589614 (cited by Quest Diagnostics Nichols Institute San Juan Capistrano); PubMed 31825140 (cited by Quest Diagnostics Nichols Institute San Juan Capistrano); PubMed 32318955 (cited by Quest Diagnostics Nichols Institute San Juan Capistrano); PubMed 32338768 (cited by Quest Diagnostics Nichols Institute San Juan Capistrano); PubMed 32719484 (cited by Quest Diagnostics Nichols Institute San Juan Capistrano); PubMed 32853339 (cited by Quest Diagnostics Nichols Institute San Juan Capistrano); PubMed 32885271 (cited by Quest Diagnostics Nichols Institute San Juan Capistrano); PubMed 33087929 (cited by Quest Diagnostics Nichols Institute San Juan Capistrano); PubMed 33372952 (cited by Quest Diagnostics Nichols Institute San Juan Capistrano and Human Genome Sequencing Center Clinical Lab, Baylor College of Medicine); PubMed 34399810 (cited by Quest Diagnostics Nichols Institute San Juan Capistrano); PubMed 22762150 (cited by Quest Diagnostics Nichols Institute San Juan Capistrano); PubMed 26295337 (cited by Quest Diagnostics Nichols Institute San Juan Capistrano); PubMed 36988593 (cited by Laboratory for Genotyping Development, RIKEN); PubMed 32295079 (cited by CZECANCA consortium).